The following is an entry in ClinVar:

NM_003106.4(SOX2):c.87_96dup (p.Asn33fs)

Genes: SOX2-OT (SOX2 overlapping transcript; plus strand), SOX2 (SRY-box transcription factor 2; plus strand), LOC108281177 (SOX2 5' regulatory region; plus strand). Cytogenetic location: 3q26.33.
Variant type: Duplication.
Coding change: c.87_96dup on transcript NM_003106.4 (MANE Select); coding-DNA positions 87 to 96, 10 bases duplicated (GGCCGGCGGC; older notation c.87_96dupGGCCGGCGGC).
Protein change: p.Asn33fs; shifts the reading frame from asparagine 33.
Molecular consequence: frameshift variant.
Genome position (GRCh38, 1-based): chr3:181,712,447-181,712,456, GGCCGGCGGC duplicated; duplicating any 10 consecutive bases within chr3:181,712,440-181,712,456 gives the same sequence; the c. name uses the placement nearest the transcript's 3' end. VCF-style (leftmost placement, unchanged base first): chr3-181712439-G-GCGGCGGCGGC. GRCh37 (hg19) VCF-style: chr3-181430227-G-GCGGCGGCGGC.
Other names: short protein forms N33fs.
Identifiers: ClinVar variation 976481 (VCV000976481.1), dbSNP rs1714839412, ClinGen allele CA1139658369.

ClinVar aggregate classification (germline): Pathogenic (0 of 4 stars; one submission).

Conditions:
Anophthalmia/microphthalmia-esophageal atresia syndrome (MCOPS3). Also called: MICROPHTHALMIA AND ESOPHAGEAL ATRESIA SYNDROME; SOX2 Disorder; AEG SYNDROME. Identifiers: Orphanet 77298, MedGen C1859773, MONDO:0008799, OMIM 206900.

Submission:

Clinical Genomics Laboratory, Stanford Medicine
Classification: Pathogenic for Anophthalmia/microphthalmia-esophageal atresia syndrome. Last evaluated: 2019-02-08. Review status: no assertion criteria provided. Collection method: clinical testing. Allele origin: germline. Inheritance: Autosomal dominant inheritance. Affected: yes.
Comment: This variant results in a 10bp duplication, which causes a shift in the protein reading frame leading to a premature termination codon 66 amino acids downstream. Although nonsense-mediated decay is not predicted to occur, the truncated protein is expected to result in loss-of-function. Heterozygous loss-of-function is an established mechanism of disease for the SOX2 gene. This variant was absent from large population databases, including the Genome Aggregation Database. However, the ability to detect large insertion/deletion variants is limited. These data were assessed using the ACMG/AMP variant interpretation guidelines. In summary, there is sufficient evidence to classify the p.Asn33Glyfs*66 variant as pathogenic for autosomal dominant SOX2-related eye disorders based on the information above. [ACMG evidence codes used: PVS1, PS2, PM2]